The following is an entry in ClinVar:

NM_002936.6(RNASEH1):c.164C>G (p.Ala55Gly)

Gene: RNASEH1 (ribonuclease H1; minus strand). Cytogenetic location: 2p25.3.
Variant type: single nucleotide variant.
Coding change: c.164C>G on transcript NM_002936.6 (MANE Select); coding-DNA position 164, C replaced by G.
Protein change: p.Ala55Gly; replaces alanine 55 with glycine.
Molecular consequence: missense variant. On other transcripts: 5 prime UTR variant (1), non-coding transcript variant (6).
Genome position (GRCh38, 1-based): chr2:3,556,869, G>C on the plus strand (C>G on the coding strand, the complement: RNASEH1 is on the minus strand). VCF-style: chr2-3556869-G-C. GRCh37 (hg19) VCF-style: chr2-3604459-G-C.
Other names: c.86C>G, p.Ala29Gly (NM_001286834.3); c.-188C>G (NM_001286837.3); c.164C>G, p.Ala55Gly (NM_001378271.1, NM_001378272.1, NM_001378273.1); c.164C>G (NM_002936.3); short protein forms A29G, A55G.
Identifiers: ClinVar variation 2208817 (VCV002208817.5), dbSNP rs149299251, ClinGen allele CA1516393.

ClinVar aggregate classification (germline): Uncertain significance. Review status: criteria provided, multiple submitters, no conflicts (2 of 4 stars). 2 submissions from 2 submitters: Uncertain significance (2). Last evaluated 2025-08-05.

Conditions:
Inborn genetic diseases. Identifiers: MedGen C0950123, MeSH D030342.

Allele frequency attached by ClinVar (database versions not stated): ExAC 0.00002; gnomAD exomes 0.00002; gnomAD 0.00003; TOPMed 0.00003; ESP Exome Variant Server 0.00015.

Submissions (2):

Ambry Genetics
Classification: Uncertain significance for Inborn genetic diseases. Last evaluated: 2025-08-05. Review status: criteria provided, single submitter. Criteria: Ambry Variant Classification Scheme 2023. Collection method: clinical testing. Allele origin: germline.

Labcorp Genetics (formerly Invitae), Labcorp
Classification: Uncertain significance. Last evaluated: 2022-02-28. Review status: criteria provided, single submitter. Criteria: Invitae Variant Classification Sherloc (09022015). Collection method: clinical testing. Allele origin: germline.
Comment: This sequence change replaces alanine, which is neutral and non-polar, with glycine, which is neutral and non-polar, at codon 55 of the RNASEH1 protein (p.Ala55Gly). This variant is present in population databases (rs149299251, gnomAD 0.009%). This variant has not been reported in the literature in individuals affected with RNASEH1-related conditions. Algorithms developed to predict the effect of missense changes on protein structure and function (SIFT, PolyPhen-2, Align-GVGD) all suggest that this variant is likely to be tolerated. In summary, the available evidence is currently insufficient to determine the role of this variant in disease. Therefore, it has been classified as a Variant of Uncertain Significance.